The following is an entry in ClinVar:

ClinVar aggregate classification (germline): Likely benign (0 of 4 stars; one submission).

Conditions:
PKHD1-related disorder. Also called: PKHD1-related condition.

Submission:

PreventionGenetics, part of Exact Sciences
Classification: Likely benign for PKHD1-related condition. Last evaluated: 2021-04-27. Review status: no assertion criteria provided. Collection method: clinical testing. Allele origin: germline.
Comment: This variant is classified as likely benign based on ACMG/AMP sequence variant interpretation guidelines (Richards et al. 2015 PMID: 25741868, with internal and published modifications).

NM_138694.4(PKHD1):c.11310+5C>T

Gene: PKHD1 (PKHD1 ciliary IPT domain containing fibrocystin/polyductin; minus strand). Cytogenetic location: 6p12.3.
Variant type: single nucleotide variant.
Coding change: c.11310+5C>T on transcript NM_138694.4 (MANE Select); 5 bases into the intron after coding-DNA position 11310, C replaced by T.
Molecular consequence: intron variant.
Genome position (GRCh38, 1-based): chr6:51,649,080, G>A on the plus strand (C>T on the coding strand, the complement: PKHD1 is on the minus strand). VCF-style: chr6-51649080-G-A. GRCh37 (hg19) VCF-style: chr6-51513878-G-A.
Identifiers: ClinVar variation 3061623 (VCV003061623.2), dbSNP rs2533303282, ClinGen allele CA2740091348.
Genomic context (GRCh38, chr6:51,649,080, plus strand): 5'-AAGATAGGCTGAATGCTACATGCTACTTAGCTCTAAAGACAGATTTGTTACCTGTGAAAA[G>A]TTACCTGCTCATCCAAAAATACCAATTGTGGCTGCACTGGAAGCTCATTTCCCACTTCTC-3'